The following is an entry in ClinVar:

NM_021975.4(RELA):c.1498A>G (p.Ile500Val)

Gene: RELA (RELA proto-oncogene, NF-kB subunit; minus strand). Cytogenetic location: 11q13.1.
Variant type: single nucleotide variant.
Coding change: c.1498A>G on transcript NM_021975.4 (MANE Select); coding-DNA position 1498, A replaced by G.
Protein change: p.Ile500Val; replaces isoleucine 500 with valine.
Molecular consequence: missense variant. On other transcripts: intron variant (1).
Genome position (GRCh38, 1-based): chr11:65,654,536, T>C on the plus strand (A>G on the coding strand, the complement: RELA is on the minus strand). VCF-style: chr11-65654536-T-C. GRCh37 (hg19) VCF-style: chr11-65422007-T-C.
Other names: c.1489A>G, p.Ile497Val (NM_001145138.2); c.1291A>G, p.Ile431Val (NM_001243984.2); c.1531A>G, p.Ile511Val (NM_001404657.1); c.1471A>G, p.Ile491Val (NM_001404658.1); c.1285A>G, p.Ile429Val (NM_001404659.1); c.1180A>G, p.Ile394Val (NM_001404660.1); c.1117A>G, p.Ile373Val (NM_001404661.1); c.1405A>G, p.Ile469Val (NM_001404662.1, NM_001404663.1); and 1 more; short protein forms I429V, I491V, I511V, I373V, I431V, I469V, I500V, I394V.
Identifiers: ClinVar variation 2173223 (VCV002173223.4), dbSNP rs1157278470, ClinGen allele CA381386660.

ClinVar aggregate classification (germline): Uncertain significance (1 of 4 stars; one submission).

Allele frequency attached by ClinVar (database versions not stated): gnomAD exomes 0.00002.
gnomAD v4.1: 21 of 1,612,034 alleles (0.0013%); highest among the groups gnomAD compares: Non-Finnish European, 0.0017%; no homozygotes.

Submission:

Labcorp Genetics (formerly Invitae), Labcorp
Classification: Uncertain significance. Last evaluated: 2021-12-22. Review status: criteria provided, single submitter. Criteria: Invitae Variant Classification Sherloc (09022015). Collection method: clinical testing. Allele origin: germline.
Comment: This sequence change replaces isoleucine, which is neutral and non-polar, with valine, which is neutral and non-polar, at codon 500 of the RELA protein (p.Ile500Val). This variant is present in population databases (no rsID available, gnomAD 0.0009%). This variant has not been reported in the literature in individuals affected with RELA-related conditions. Algorithms developed to predict the effect of missense changes on protein structure and function are either unavailable or do not agree on the potential impact of this missense change (SIFT: "Deleterious"; PolyPhen-2: "Benign"; Align-GVGD: "Class C0"). Algorithms developed to predict the effect of sequence changes on RNA splicing suggest that this variant may create or strengthen a splice site. In summary, the available evidence is currently insufficient to determine the role of this variant in disease. Therefore, it has been classified as a Variant of Uncertain Significance.